The following is an entry in ClinVar:

NM_002734.5(PRKAR1A):c.810A>G (p.Ala270=)

Gene: PRKAR1A (protein kinase cAMP-dependent type I regulatory subunit alpha; plus strand). Cytogenetic location: 17q24.2.
Variant type: single nucleotide variant.
Coding change: c.810A>G on transcript NM_002734.5 (MANE Select); coding-DNA position 810, A replaced by G.
Protein change: p.Ala270=; no amino-acid change (alanine 270 retained).
Molecular consequence: synonymous variant.
Genome position (GRCh38, 1-based): chr17:68,528,910, A>G. VCF-style: chr17-68528910-A-G. GRCh37 (hg19) VCF-style: chr17-66525051-A-G.
Other names: c.810A>G, p.Ala270= (NM_001276289.2, NM_001276290.1, NM_001278433.2 and 4 more transcripts).
Identifiers: ClinVar variation 772517 (VCV000772517.23), dbSNP rs778165219, ClinGen allele CA8729395.

ClinVar aggregate classification (germline): Likely benign. Review status: criteria provided, multiple submitters, no conflicts (2 of 4 stars). 4 submissions from 4 submitters: Likely benign (4). Last evaluated 2026-01-19.

Conditions:
Carney complex, type 1 (CNC1). Also called: CARNEY MYXOMA-ENDOCRINE COMPLEX; CARNEY COMPLEX, TYPE I. Identifiers: Orphanet 1359, MedGen C2607929, MONDO:0008057, OMIM 160980.
Hereditary cancer-predisposing syndrome. Also called: Hereditary neoplastic syndrome; Neoplastic Syndromes, Hereditary; Hereditary Cancer Syndrome; Tumor predisposition. Identifiers: Orphanet 140162, MedGen C0027672, MeSH D009386, MONDO:0015356.

Allele frequency attached by ClinVar (database versions not stated): gnomAD 0.00001; gnomAD exomes 0.00001; ExAC 0.00002; TOPMed 0.00002.
gnomAD v4.1: 8 of 1,613,932 alleles (0.0005%); highest among the groups gnomAD compares: Admixed American, 0.0017%; no homozygotes.

Submissions (4):

Labcorp Genetics (formerly Invitae), Labcorp
Classification: Likely benign for Carney complex, type 1. Last evaluated: 2026-01-19. Review status: criteria provided, single submitter. Criteria: Invitae Variant Classification Sherloc (09022015). Collection method: clinical testing. Allele origin: germline.

CeGaT Center for Human Genetics Tuebingen
Classification: Likely benign. Last evaluated: 2025-08-01. Review status: criteria provided, single submitter. Criteria: CeGaT Center For Human Genetics Tuebingen Variant Classification Criteria Version 2. Collection method: clinical testing. Allele origin: germline. Affected: yes. Observed: 1 variant allele.
Comment: PRKAR1A: BP4, BP7

Women's Health and Genetics/Laboratory Corporation of America, LabCorp
Classification: Likely benign. Last evaluated: 2023-07-17. Review status: criteria provided, single submitter. Criteria: LabCorp Variant Classification Summary - May 2015. Collection method: clinical testing. Allele origin: germline.

Ambry Genetics
Classification: Likely benign for Hereditary cancer-predisposing syndrome. Last evaluated: 2019-09-18. Review status: criteria provided, single submitter. Criteria: Ambry Variant Classification Scheme 2023. Collection method: clinical testing. Allele origin: germline.